The following is an entry in ClinVar:

NM_006019.4(TCIRG1):c.149G>T (p.Arg50Leu)

Gene: TCIRG1 (T cell immune regulator 1, ATPase H+ transporting V0 subunit a3; plus strand). Cytogenetic location: 11q13.2.
Variant type: single nucleotide variant.
Coding change: c.149G>T on transcript NM_006019.4 (MANE Select); coding-DNA position 149, G replaced by T.
Protein change: p.Arg50Leu; replaces arginine 50 with leucine.
Molecular consequence: missense variant. On other transcripts: 5 prime UTR variant (1).
Genome position (GRCh38, 1-based): chr11:68,041,784, G>T. VCF-style: chr11-68041784-G-T. GRCh37 (hg19) VCF-style: chr11-67809251-G-T.
Other names: c.-1101G>T (NM_001351059.2); short protein forms R50L.
Identifiers: ClinVar variation 2631458 (VCV002631458.1), dbSNP rs781157122, ClinGen allele CA381574501.

ClinVar aggregate classification (germline): Uncertain significance (1 of 4 stars; one submission).

Conditions:
TCIRG1-related disorder. Also called: TCIRG1-related condition.

gnomAD v4.1: 1 of 1,610,812 alleles (0.000062%); highest among the groups gnomAD compares: Non-Finnish European, 0.000085%; no homozygotes.

Submission:

PreventionGenetics, part of Exact Sciences
Classification: Uncertain significance for TCIRG1-related condition. Last evaluated: 2023-08-20. Review status: criteria provided, single submitter. Criteria: ACMG Guidelines, 2015. Collection method: clinical testing. Allele origin: germline.
Comment: The TCIRG1 c.149G>T variant is predicted to result in the amino acid substitution p.Arg50Leu. To our knowledge, this variant has not been reported in the literature or in a large population database, indicating this variant is rare. At this time, the clinical significance of this variant is uncertain due to the absence of conclusive functional and genetic evidence.